The following is an entry in ClinVar:

NM_014639.4(SKIC3):c.4153G>A (p.Val1385Ile)

Gene: SKIC3 (SKI3 subunit of superkiller complex; minus strand). Cytogenetic location: 5q15.
Variant type: single nucleotide variant.
Coding change: c.4153G>A on transcript NM_014639.4 (MANE Select); coding-DNA position 4153, G replaced by A.
Protein change: p.Val1385Ile; replaces valine 1385 with isoleucine.
Molecular consequence: missense variant.
Genome position (GRCh38, 1-based): chr5:95,482,532, C>T on the plus strand (G>A on the coding strand, the complement: SKIC3 is on the minus strand). VCF-style: chr5-95482532-C-T. GRCh37 (hg19) VCF-style: chr5-94818236-C-T.
Other names: short protein forms V1385I.
Identifiers: ClinVar variation 702887 (VCV000702887.32), dbSNP rs140981366, ClinGen allele CA3346489.

ClinVar aggregate classification (germline): Benign/Likely benign. Review status: criteria provided, multiple submitters, no conflicts (2 of 4 stars). 3 submissions from 3 submitters: Benign (1); Likely benign (2). Last evaluated 2026-02-01.

Allele frequency attached by ClinVar (database versions not stated): gnomAD 0.00034 and 0.00024; gnomAD exomes 0.00036 and 0.00081; TOPMed 0.00054; ExAC 0.00083; 1000 Genomes Project 30x 0.00125; 1000 Genomes Project 0.00160.
gnomAD v4.1: 586 of 1,614,024 alleles (0.036%); highest among the groups gnomAD compares: East Asian, 1.1%; 4 homozygotes.

Submissions (3):

Labcorp Genetics (formerly Invitae), Labcorp
Classification: Benign. Last evaluated: 2026-02-01. Review status: criteria provided, single submitter. Criteria: Invitae Variant Classification Sherloc (09022015). Collection method: clinical testing. Allele origin: germline.

Blueprint Genetics
Classification: Likely benign. Last evaluated: 2024-07-12. Review status: criteria provided, single submitter. Criteria: ACMG Guidelines, 2015. Collection method: clinical testing. Allele origin: germline.

CeGaT Center for Human Genetics Tuebingen
Classification: Likely benign. Last evaluated: 2024-02-01. Review status: criteria provided, single submitter. Criteria: CeGaT Center For Human Genetics Tuebingen Variant Classification Criteria Version 2. Collection method: clinical testing. Allele origin: germline. Affected: yes. Observed: 1 variant allele.
Comment: SKIC3: BP4, BS1